The following is an entry in ClinVar:

ClinVar aggregate classification (germline): Uncertain significance. Review status: criteria provided, multiple submitters, no conflicts (2 of 4 stars). 2 submissions from 2 submitters: Uncertain significance (2). Last evaluated 2025-04-25.

Allele frequency attached by ClinVar (database versions not stated): gnomAD 0.00002; gnomAD exomes 0.00001; ExAC 0.00001.
gnomAD v4.1: 12 of 1,614,092 alleles (0.00074%); highest among the groups gnomAD compares: African/African-American, 0.011%; no homozygotes.

Submissions (2):

Ambry Genetics
Classification: Uncertain significance. Last evaluated: 2025-04-25. Review status: criteria provided, single submitter. Criteria: Ambry Variant Classification Scheme 2023. Collection method: clinical testing. Allele origin: germline.

Labcorp Genetics (formerly Invitae), Labcorp
Classification: Uncertain significance. Last evaluated: 2025-03-23. Review status: criteria provided, single submitter. Criteria: Invitae Variant Classification Sherloc (09022015). Collection method: clinical testing. Allele origin: germline.
Comment: This sequence change replaces serine, which is neutral and polar, with leucine, which is neutral and non-polar, at codon 349 of the MYLIP protein (p.Ser349Leu). This variant is present in population databases (rs770000086, gnomAD 0.01%). This variant has not been reported in the literature in individuals affected with MYLIP-related conditions. ClinVar contains an entry for this variant (Variation ID: 2888862). An algorithm developed to predict the effect of missense changes on protein structure and function (PolyPhen-2) suggests that this variant is likely to be tolerated. In summary, the available evidence is currently insufficient to determine the role of this variant in disease. Therefore, it has been classified as a Variant of Uncertain Significance.

NM_013262.4(MYLIP):c.1046C>T (p.Ser349Leu)

Gene: MYLIP (myosin regulatory light chain interacting protein; plus strand). Cytogenetic location: 6p22.3.
Variant type: single nucleotide variant.
Coding change: c.1046C>T on transcript NM_013262.4 (MANE Select); coding-DNA position 1046, C replaced by T.
Protein change: p.Ser349Leu; replaces serine 349 with leucine.
Molecular consequence: missense variant.
Genome position (GRCh38, 1-based): chr6:16,145,115, C>T. VCF-style: chr6-16145115-C-T. GRCh37 (hg19) VCF-style: chr6-16145346-C-T.
Other names: c.1046C>T (NM_013262.3); short protein forms S349L.
Identifiers: ClinVar variation 2888862 (VCV002888862.4), dbSNP rs770000086, ClinGen allele CA3644632.